The following is an entry in ClinVar:

NM_004259.7(RECQL5):c.2029C>T (p.Arg677Trp)

Gene: RECQL5 (RecQ like helicase 5; minus strand). Cytogenetic location: 17q25.1.
Variant type: single nucleotide variant.
Coding change: c.2029C>T on transcript NM_004259.7 (MANE Select); coding-DNA position 2029, C replaced by T.
Protein change: p.Arg677Trp; replaces arginine 677 with tryptophan.
Molecular consequence: missense variant.
Genome position (GRCh38, 1-based): chr17:75,629,394, G>A on the plus strand (C>T on the coding strand, the complement: RECQL5 is on the minus strand). VCF-style: chr17-75629394-G-A. GRCh37 (hg19) VCF-style: chr17-73625474-G-A.
Other names: short protein forms R677W.
Identifiers: ClinVar variation 3349340 (VCV003349340.1).
Genomic context (GRCh38, chr17:75,629,394, plus strand): 5'-GCCGGCTCGGGGGCTCGTGCTCGCCTCCCCGCTCGGGCTGGGGGGCTTGCTCCCTGATCC[G>A]AGTTGTCTCCATCAGTTCCGTGGCCGTCTGGAACGGGCAGGAGCCTTTGGGGAAACCAGC-3'
Protein context (NP_004250.4, residues 667-687): QTATELMETT[Arg677Trp]IREQAPQPER

ClinVar aggregate classification (germline): Uncertain significance (0 of 4 stars; one submission).

Conditions:
RECQL5-related disorder. Also called: RECQL5-related condition.

gnomAD v4.1: 29 of 1,510,508 alleles (0.0019%); highest among the groups gnomAD compares: Non-Finnish European, 0.0025%; no homozygotes.

Submission:

PreventionGenetics, part of Exact Sciences
Classification: Uncertain significance for RECQL5-related condition. Last evaluated: 2024-07-30. Review status: no assertion criteria provided. Collection method: clinical testing. Allele origin: germline.
Comment: The RECQL5 c.2029C>T variant is predicted to result in the amino acid substitution p.Arg677Trp. To our knowledge, this variant has not been reported in the literature or in a large population database, indicating this variant is rare. At this time, the clinical significance of this variant is uncertain due to the absence of conclusive functional and genetic evidence.